The following is an entry in ClinVar:

NM_001035.3(RYR2):c.420T>G (p.Thr140=)

Gene: RYR2 (ryanodine receptor 2; plus strand). Cytogenetic location: 1q43.
Variant type: single nucleotide variant.
Coding change: c.420T>G on transcript NM_001035.3 (MANE Select); coding-DNA position 420, T replaced by G.
Protein change: p.Thr140=; no amino-acid change (threonine 140 retained).
Molecular consequence: synonymous variant.
Genome position (GRCh38, 1-based): chr1:237,374,752, T>G. VCF-style: chr1-237374752-T-G. GRCh37 (hg19) VCF-style: chr1-237538052-T-G.
Identifiers: ClinVar variation 2454019 (VCV002454019.4), dbSNP rs2149782582, ClinGen allele CA423808527.

ClinVar aggregate classification (germline): Likely benign. Review status: criteria provided, multiple submitters, no conflicts (2 of 4 stars). 3 submissions from 3 submitters: Likely benign (3). Last evaluated 2025-07-03.

Conditions:
Catecholaminergic polymorphic ventricular tachycardia (CVPT). Also called: Catecholamine-induced polymorphic ventricular tachycardia. Identifiers: Orphanet 3286, MedGen C5574922, MONDO:0017990.
Catecholaminergic polymorphic ventricular tachycardia 1. Also called: VENTRICULAR TACHYCARDIA, STRESS-INDUCED POLYMORPHIC 1; VENTRICULAR TACHYCARDIA, CATECHOLAMINERGIC POLYMORPHIC, 1, WITH OR WITHOUT ATRIAL DYSFUNCTION AND/OR DILATED CARDIOMYOPATHY; RYR2-Related Catecholaminergic Polymorphic Ventricular Tachycardia. Identifiers: Orphanet 3286, MedGen C1631597, MONDO:0011484, OMIM 604772.
Cardiovascular phenotype. Identifiers: MedGen CN230736.

gnomAD v4.1: 2 of 1,613,178 alleles (0.00012%); highest among the groups gnomAD compares: Non-Finnish European, 0.00017%; no homozygotes.

Submissions (3):

Labcorp Genetics (formerly Invitae), Labcorp
Classification: Likely benign for Catecholaminergic polymorphic ventricular tachycardia 1. Last evaluated: 2025-07-03. Review status: criteria provided, single submitter. Criteria: Invitae Variant Classification Sherloc (09022015). Collection method: clinical testing. Allele origin: germline.

All of Us Research Program, National Institutes of Health
Classification: Likely benign for Catecholaminergic polymorphic ventricular tachycardia. Last evaluated: 2023-02-24. Review status: criteria provided, single submitter. Criteria: ACMG Guidelines, 2015. Collection method: clinical testing. Allele origin: germline. Inheritance: Autosomal dominant inheritance. Observed: 1 variant allele, 1 heterozygote.
Comment: This study involves interpretation of variants in research participants for the purpose of population health screening. Participant phenotype was not available at the time of variant classification. Additional details can be found in publication PMID: 35346344, PMCID: PMC8962531

Ambry Genetics
Classification: Likely benign for Cardiovascular phenotype. Last evaluated: 2023-01-16. Review status: criteria provided, single submitter. Criteria: Ambry Variant Classification Scheme 2023. Collection method: clinical testing. Allele origin: germline.